The following is an entry in ClinVar:

ClinVar aggregate classification (germline): Uncertain significance (1 of 4 stars; one submission).

Conditions:
Neurofibromatosis, type 2 (SWNV). Also called: NF2-Related Schwannomatosis; SCHWANNOMATOSIS, VESTIBULAR; BILATERAL ACOUSTIC NEUROFIBROMATOSIS. Identifiers: Orphanet 637, MedGen C0027832, MONDO:0007039, OMIM 101000. Disease mechanism: loss of function.

Allele frequency attached by ClinVar (database versions not stated): gnomAD exomes 0.00001.
gnomAD v4.1: 3 of 1,613,840 alleles (0.00019%); highest among the groups gnomAD compares: South Asian, 0.0022%; no homozygotes.

Submission:

Labcorp Genetics (formerly Invitae), Labcorp
Classification: Uncertain significance for Neurofibromatosis, type 2. Last evaluated: 2022-02-27. Review status: criteria provided, single submitter. Criteria: Invitae Variant Classification Sherloc (09022015). Collection method: clinical testing. Allele origin: germline.
Comment: This sequence change replaces glutamic acid, which is acidic and polar, with aspartic acid, which is acidic and polar, at codon 522 of the NF2 protein (p.Glu522Asp). This variant is present in population databases (no rsID available, gnomAD 0.003%). This variant has not been reported in the literature in individuals affected with NF2-related conditions. Algorithms developed to predict the effect of missense changes on protein structure and function are either unavailable or do not agree on the potential impact of this missense change (SIFT: "Deleterious"; PolyPhen-2: "Possibly Damaging"; Align-GVGD: "Class C0"). In summary, the available evidence is currently insufficient to determine the role of this variant in disease. Therefore, it has been classified as a Variant of Uncertain Significance.

NM_000268.4(NF2):c.1566G>T (p.Glu522Asp)

Gene: NF2 (NF2, moesin-ezrin-radixin like (MERLIN) tumor suppressor; plus strand). Cytogenetic location: 22q12.2.
Variant type: single nucleotide variant.
Coding change: c.1566G>T on transcript NM_000268.4 (MANE Select); coding-DNA position 1566, G replaced by T.
Protein change: p.Glu522Asp; replaces glutamic acid 522 with aspartic acid.
Molecular consequence: missense variant. On other transcripts: non-coding transcript variant (1), intron variant (1).
Genome position (GRCh38, 1-based): chr22:29,678,315, G>T. VCF-style: chr22-29678315-G-T. GRCh37 (hg19) VCF-style: chr22-30074304-G-T.
Other names: c.1452G>T, p.Glu484Asp (NM_001407053.1, NM_001407056.1); c.1443G>T, p.Glu481Asp (NM_001407054.1, NM_001407058.1, NM_181829.3); c.1440G>T, p.Glu480Asp (NM_001407055.1, NM_181828.3); c.1431G>T, p.Glu477Asp (NM_001407057.1, NM_001407059.1); c.1566G>T, p.Glu522Asp (NM_001407060.1, NM_001407066.1, NM_016418.5 and 2 more transcripts); c.1308G>T, p.Glu436Asp (NM_001407062.1); c.1317G>T, p.Glu439Asp (NM_001407063.1, NM_001407064.1, NM_181830.3 and 1 more transcripts); c.1032G>T, p.Glu344Asp (NM_001407065.1); and 2 more; short protein forms E445D, E477D, E436D, E484D, E344D, E439D, E480D, E481D.
Identifiers: ClinVar variation 1911532 (VCV001911532.5), dbSNP rs1178488286, ClinGen allele CA411149801.